The following is an entry in ClinVar:

ClinVar aggregate classification (germline): Uncertain significance. Review status: criteria provided, multiple submitters, no conflicts (2 of 4 stars). 5 submissions from 5 submitters: Uncertain significance (5). Last evaluated 2025-08-06.

Conditions:
Familial cancer of breast. Also called: BREAST CANCER, FAMILIAL; hereditary breast carcinoma; Hereditary breast cancer. Identifiers: Orphanet 227535, MedGen C0346153, MONDO:0016419, OMIM 114480. Disease mechanism: loss of function.
Hereditary cancer-predisposing syndrome. Also called: Neoplastic Syndromes, Hereditary; Tumor predisposition; Hereditary Cancer Syndrome; Hereditary neoplastic syndrome. Identifiers: Orphanet 140162, MedGen C0027672, MeSH D009386, MONDO:0015356.

Allele frequency attached by ClinVar (database versions not stated): gnomAD exomes below 0.00001; ExAC 0.00001.
gnomAD v4.1: 2 of 1,612,556 alleles (0.00012%); highest among the groups gnomAD compares: Non-Finnish European, 0.00017%; no homozygotes.

Submissions (5):

Labcorp Genetics (formerly Invitae), Labcorp
Classification: Uncertain significance for Familial cancer of breast. Last evaluated: 2025-08-06. Review status: criteria provided, single submitter. Criteria: Invitae Variant Classification Sherloc (09022015). Collection method: clinical testing. Allele origin: germline.
Comment: This sequence change replaces glutamine, which is neutral and polar, with glutamic acid, which is acidic and polar, at codon 285 of the BARD1 protein (p.Gln285Glu). This variant is present in population databases (rs746470339, gnomAD 0.0009%). This variant has not been reported in the literature in individuals affected with BARD1-related conditions. ClinVar contains an entry for this variant (Variation ID: 232534). An algorithm developed to predict the effect of missense changes on protein structure and function (PolyPhen-2) suggests that this variant is likely to be tolerated. In summary, the available evidence is currently insufficient to determine the role of this variant in disease. Therefore, it has been classified as a Variant of Uncertain Significance.

Baylor Genetics
Classification: Uncertain significance for Familial cancer of breast. Last evaluated: 2024-02-09. Review status: criteria provided, single submitter. Criteria: ACMG Guidelines, 2015. Collection method: clinical testing. Allele origin: unknown.

Color Diagnostics, LLC DBA Color Health
Classification: Uncertain significance for Hereditary cancer-predisposing syndrome. Last evaluated: 2023-09-05. Review status: criteria provided, single submitter. Criteria: ACMG Guidelines, 2015. Collection method: clinical testing. Allele origin: germline.
Comment: This missense variant replaces glutamine with glutamic acid at codon 285 of the BARD1 protein. Computational prediction suggests that this variant may not impact protein structure and function (internally defined REVEL score threshold <= 0.5, PMID: 27666373). To our knowledge, functional studies have not been reported for this variant. This variant has not been reported in individuals affected with BARD1-related disorders in the literature, but it has been reported in an unaffected individual (PMID: 33471991; Leiden Open Variation Database DB-ID BARD1_000354). This variant has been identified in 1/248974 chromosomes in the general population by the Genome Aggregation Database (gnomAD). The available evidence is insufficient to determine the role of this variant in disease conclusively. Therefore, this variant is classified as a Variant of Uncertain Significance.

Sema4
Classification: Uncertain significance for Hereditary cancer-predisposing syndrome. Last evaluated: 2021-11-08. Review status: criteria provided, single submitter. Criteria: Sema4 Curation Guidelines. Collection method: curation. Allele origin: germline.
Comment: To the best of our knowledge, the BARD1 c.853C>G (p.Q285E) variant has not been reported in individuals with BARD1-related disease. It was observed in 1/112548 chromosomes of the Non-Finnish European subpopulation in the large and broad cohorts of the Genome Aggregation Database (PMID: 32461654). The variant has been reported in ClinVar (Variation ID 232534). Functional studies have not been performed, and in silico predictions of the variant's effect on protein function are inconclusive. The evidence is insufficient to meet ACMG/AMP criteria for classifying the variant as benign or pathogenic. Thus, the clinical significance of this variant is currently uncertain.

Ambry Genetics
Classification: Uncertain significance for Hereditary cancer-predisposing syndrome. Last evaluated: 2018-06-18. Review status: criteria provided, single submitter. Criteria: Ambry Variant Classification Scheme 2023. Collection method: clinical testing. Allele origin: germline.
Comment: The p.Q285E variant (also known as c.853C>G), located in coding exon 4 of the BARD1 gene, results from a C to G substitution at nucleotide position 853. The glutamine at codon 285 is replaced by glutamic acid, an amino acid with highly similar properties. This amino acid position is not well conserved in available vertebrate species. In addition, this alteration is predicted to be tolerated by in silico analysis. Since supporting evidence is limited at this time, the clinical significance of this alteration remains unclear.

Literature cited by the submitters: PubMed 33471991 (cited by Color Diagnostics, LLC DBA Color Health).

NM_000465.4(BARD1):c.853C>G (p.Gln285Glu)

Gene: BARD1 (BRCA1 associated RING domain 1; minus strand). Cytogenetic location: 2q35.
Variant type: single nucleotide variant.
Coding change: c.853C>G on transcript NM_000465.4 (MANE Select); coding-DNA position 853, C replaced by G.
Protein change: p.Gln285Glu; replaces glutamine 285 with glutamic acid.
Molecular consequence: missense variant. On other transcripts: non-coding transcript variant (2), intron variant (3).
Genome position (GRCh38, 1-based): chr2:214,781,021, G>C on the plus strand (C>G on the coding strand, the complement: BARD1 is on the minus strand). VCF-style: chr2-214781021-G-C. GRCh37 (hg19) VCF-style: chr2-215645745-G-C.
Other names: c.796C>G, p.Gln266Glu (NM_001282543.2); c.158+28391C>G (NM_001282548.2); c.215+16040C>G (NM_001282545.2); c.364+11276C>G (NM_001282549.2); short protein forms Q285E, Q266E.
Identifiers: ClinVar variation 232534 (VCV000232534.21), dbSNP rs746470339, ClinGen allele CA2090373.